The following is an entry in ClinVar:

ClinVar aggregate classification (germline): Uncertain significance. Review status: criteria provided, multiple submitters, no conflicts (2 of 4 stars). 2 submissions from 2 submitters: Uncertain significance (2). Last evaluated 2023-03-24.

Conditions:
Hereditary cancer-predisposing syndrome. Also called: Neoplastic Syndromes, Hereditary; Hereditary Cancer Syndrome; Tumor predisposition; Hereditary neoplastic syndrome. Identifiers: Orphanet 140162, MedGen C0027672, MeSH D009386, MONDO:0015356.
Familial cancer of breast. Also called: hereditary breast carcinoma; BREAST CANCER, FAMILIAL; Hereditary breast cancer. Identifiers: Orphanet 227535, MedGen C0346153, MONDO:0016419, OMIM 114480. Disease mechanism: loss of function.

Allele frequency attached by ClinVar (database versions not stated): gnomAD exomes below 0.00001.

Submissions (2):

Ambry Genetics
Classification: Uncertain significance for Hereditary cancer-predisposing syndrome. Last evaluated: 2023-03-24. Review status: criteria provided, single submitter. Criteria: Ambry Variant Classification Scheme 2023. Collection method: clinical testing. Allele origin: germline.
Comment: The p.E194K variant (also known as c.580G>A), located in coding exon 4 of the PALB2 gene, results from a G to A substitution at nucleotide position 580. The glutamic acid at codon 194 is replaced by lysine, an amino acid with similar properties. This amino acid position is not well conserved in available vertebrate species. In addition, this alteration is predicted to be tolerated by in silico analysis. Since supporting evidence is limited at this time, the clinical significance of this alteration remains unclear.

Labcorp Genetics (formerly Invitae), Labcorp
Classification: Uncertain significance for Familial cancer of breast. Last evaluated: 2022-03-05. Review status: criteria provided, single submitter. Criteria: Invitae Variant Classification Sherloc (09022015). Collection method: clinical testing. Allele origin: germline.
Comment: This sequence change replaces glutamic acid, which is acidic and polar, with lysine, which is basic and polar, at codon 194 of the PALB2 protein (p.Glu194Lys). This variant is not present in population databases (gnomAD no frequency). This variant has not been reported in the literature in individuals affected with PALB2-related conditions. ClinVar contains an entry for this variant (Variation ID: 945709). Algorithms developed to predict the effect of missense changes on protein structure and function output the following: SIFT: "Tolerated"; PolyPhen-2: "Benign"; Align-GVGD: "Class C0". The lysine amino acid residue is found in multiple mammalian species, which suggests that this missense change does not adversely affect protein function. In summary, the available evidence is currently insufficient to determine the role of this variant in disease. Therefore, it has been classified as a Variant of Uncertain Significance.

NM_024675.4(PALB2):c.580G>A (p.Glu194Lys)

Gene: PALB2 (partner and localizer of BRCA2; minus strand). Cytogenetic location: 16p12.2.
Variant type: single nucleotide variant.
Coding change: c.580G>A on transcript NM_024675.4 (MANE Select); coding-DNA position 580, G replaced by A.
Protein change: p.Glu194Lys; replaces glutamic acid 194 with lysine.
Molecular consequence: missense variant.
Genome position (GRCh38, 1-based): chr16:23,635,966, C>T on the plus strand (G>A on the coding strand, the complement: PALB2 is on the minus strand). VCF-style: chr16-23635966-C-T. GRCh37 (hg19) VCF-style: chr16-23647287-C-T.
Other names: short protein forms E194K.
Identifiers: ClinVar variation 945709 (VCV000945709.12), dbSNP rs1967036814, ClinGen allele CA395136765.
Genomic context (GRCh38, chr16:23,635,966, plus strand): 5'-TAACTGGTTCTGGAGAATCTGGAAGTTCAGATTTAAGACTTAAAAGGTGAGTTCTTATTT[C>T]AGTTACTGGTGATCTAGCAGGATTTTTGCTACTGATTTCTTCCTGTTCCTTTAGTCTTTT-3'
Protein context (NP_078951.2, residues 184-204): SKNPARSPVT[Glu194Lys]IRTHLLSLKS